The following is an entry in ClinVar:

NM_012281.3(KCND2):c.788G>C (p.Ser263Thr)

Gene: KCND2 (potassium voltage-gated channel subfamily D member 2; plus strand). Cytogenetic location: 7q31.31.
Variant type: single nucleotide variant.
Coding change: c.788G>C on transcript NM_012281.3 (MANE Select); coding-DNA position 788, G replaced by C.
Protein change: p.Ser263Thr; replaces serine 263 with threonine.
Molecular consequence: missense variant.
Genome position (GRCh38, 1-based): chr7:120,275,420, G>C. VCF-style: chr7-120275420-G-C. GRCh37 (hg19) VCF-style: chr7-119915474-G-C.
Other names: short protein forms S263T.
Identifiers: ClinVar variation 2005520 (VCV002005520.4), dbSNP rs1799159459, ClinGen allele CA369132385.

ClinVar aggregate classification (germline): Uncertain significance (1 of 4 stars; one submission).

Conditions:
Early Myoclonic Encephalopathy. Identifiers: MedGen C0270855.

Submission:

Labcorp Genetics (formerly Invitae), Labcorp
Classification: Uncertain significance for Early Myoclonic Encephalopathy. Last evaluated: 2022-06-13. Review status: criteria provided, single submitter. Criteria: Invitae Variant Classification Sherloc (09022015). Collection method: clinical testing. Allele origin: germline.
Comment: In summary, the available evidence is currently insufficient to determine the role of this variant in disease. Therefore, it has been classified as a Variant of Uncertain Significance. This sequence change replaces serine, which is neutral and polar, with threonine, which is neutral and polar, at codon 263 of the KCND2 protein (p.Ser263Thr). This variant is not present in population databases (gnomAD no frequency). This variant has not been reported in the literature in individuals affected with KCND2-related conditions. Advanced modeling of protein sequence and biophysical properties (such as structural, functional, and spatial information, amino acid conservation, physicochemical variation, residue mobility, and thermodynamic stability) performed at Invitae indicates that this missense variant is not expected to disrupt KCND2 protein function.